The following is an entry in ClinVar:

ClinVar aggregate classification (germline): Benign. Review status: criteria provided, multiple submitters, no conflicts (2 of 4 stars). 10 submissions from 9 submitters: Benign (8). 2 of the submissions do not count toward it. Last evaluated 2026-02-03.

Conditions:
Intellectual developmental disorder, autosomal dominant 38. Also called: Intellectual disability, autosomal dominant 38; PSYCHOMOTOR RETARDATION, EPILEPSY, AND LANGUAGE DISABILITY SYNDROME. Identifiers: MedGen C4225343, MONDO:0014617, OMIM 616393.
Developmental and epileptic encephalopathy, 33 (DEE33). Also called: Epileptic encephalopathy, early infantile, 33. Identifiers: Orphanet 442835, MedGen C4225337, MONDO:0014625, OMIM 616409.
Inborn genetic diseases. Identifiers: MedGen C0950123, MeSH D030342.

Allele frequency attached by ClinVar (database versions not stated): ExAC 0.57098; ESP Exome Variant Server 0.57394; gnomAD 0.57688 and 0.57817; 1000 Genomes Project 0.59165; gnomAD exomes 0.57455 and 0.56174; TOPMed 0.56321; 1000 Genomes Project 30x 0.58838.
gnomAD v4.1: 926,511 of 1,611,412 alleles (57%); highest among the groups gnomAD compares: East Asian, 66%; 268,138 homozygotes.

Submissions (10):

Labcorp Genetics (formerly Invitae), Labcorp
Classification: Benign for Developmental and epileptic encephalopathy, 33. Last evaluated: 2026-02-03. Review status: criteria provided, single submitter. Criteria: Invitae Variant Classification Sherloc (09022015). Collection method: clinical testing. Allele origin: germline.

Genome-Nilou Lab
Classification: Benign for Developmental and epileptic encephalopathy, 33. Last evaluated: 2021-07-30. Review status: criteria provided, single submitter. Criteria: ACMG Guidelines, 2015. Collection method: clinical testing. Allele origin: germline. Affected: no.

Genome-Nilou Lab
Classification: Benign for Intellectual developmental disorder, autosomal dominant 38. Last evaluated: 2021-07-30. Review status: criteria provided, single submitter. Criteria: ACMG Guidelines, 2015. Collection method: clinical testing. Allele origin: germline. Affected: no.

Mayo Clinic Laboratories, Mayo Clinic
Classification: Benign. Last evaluated: 2018-04-02. Review status: criteria provided, single submitter. Criteria: ACMG Guidelines, 2015. Collection method: clinical testing. Allele origin: germline. Observed: 451 variant alleles.

Athena Diagnostics
Classification: Benign. Last evaluated: 2017-04-20. Review status: criteria provided, single submitter. Criteria: Athena Diagnostics Criteria. Collection method: clinical testing. Allele origin: germline.

GeneDx
Classification: Benign. Last evaluated: 2016-01-07. Review status: criteria provided, single submitter. Criteria: GeneDx Variant Classification (06012015). Collection method: clinical testing. Allele origin: germline. Affected: yes.
Comment: This variant is considered likely benign or benign based on one or more of the following criteria: it is a conservative change, it occurs at a poorly conserved position in the protein, it is predicted to be benign by multiple in silico algorithms, and/or has population frequency not consistent with disease.

Ambry Genetics
Classification: Benign for Inborn genetic diseases. Last evaluated: 2015-12-31. Review status: criteria provided, single submitter. Criteria: Ambry Variant Classification Scheme 2023. Collection method: clinical testing. Allele origin: germline.

Breakthrough Genomics
Classification: Benign. Review status: criteria provided, single submitter. Criteria: ACMG Guidelines, 2015. Collection method: not provided. Allele origin: germline. Inheritance: Autosomal dominant inheritance. Affected: yes.

Diagnostic Laboratory, Department of Genetics, University Medical Center Groningen
Classification: Benign. Review status: no assertion criteria provided. Collection method: clinical testing. Allele origin: germline. Affected: yes. Study: VKGL Data-share Consensus. Not counted in ClinVar's aggregate classification.

Joint Genome Diagnostic Labs from Nijmegen and Maastricht, Radboudumc and MUMC+
Classification: Benign. Review status: no assertion criteria provided. Collection method: clinical testing. Allele origin: germline. Affected: yes. Study: VKGL Data-share Consensus. Not counted in ClinVar's aggregate classification.

NM_001958.5(EEF1A2):c.594T>C (p.Gly198=)

Gene: EEF1A2 (eukaryotic translation elongation factor 1 alpha 2; minus strand). Cytogenetic location: 20q13.33.
Variant type: single nucleotide variant.
Coding change: c.594T>C on transcript NM_001958.5 (MANE Select); coding-DNA position 594, T replaced by C.
Protein change: p.Gly198=; no amino-acid change (glycine 198 retained).
Molecular consequence: synonymous variant.
Genome position (GRCh38, 1-based): chr20:63,494,832, A>G on the plus strand (T>C on the coding strand, the complement: EEF1A2 is on the minus strand). VCF-style: chr20-63494832-A-G. GRCh37 (hg19) VCF-style: chr20-62126185-A-G.
Other names: p.Gly198=.
Identifiers: ClinVar variation 379689 (VCV000379689.25), dbSNP rs310617, ClinGen allele CA9959073.
Genomic context (GRCh38, chr20:63,494,832, plus strand): 5'-CCCGTGGCCCGCCCCGCCCTAGCCGCCACTCACGTTGGGGGAGGGCTCCAGCATGTTGTC[A>G]CCGTGCCAGCCGGAGATGGGCACAAAGGGCACGGTGGCCGGGTTGTAGCCGATCTTCTTG-3'
Protein context (NP_001949.1, residues 188-208): VPFVPISGWH[Gly198=]DNMLEPSPNM